The following is an entry in ClinVar:

NM_001378120.1(MBD5):c.337C>T (p.His113Tyr)

Gene: MBD5 (methyl-CpG binding domain protein 5; plus strand). Cytogenetic location: 2q23.1.
Variant type: single nucleotide variant.
Coding change: c.337C>T on transcript NM_001378120.1 (MANE Select); coding-DNA position 337, C replaced by T.
Protein change: p.His113Tyr; replaces histidine 113 with tyrosine.
Molecular consequence: missense variant.
Genome position (GRCh38, 1-based): chr2:148,463,859, C>T. VCF-style: chr2-148463859-C-T. GRCh37 (hg19) VCF-style: chr2-149221428-C-T.
Other names: c.337C>T, p.His113Tyr (NM_018328.5); short protein forms H113Y.
Identifiers: ClinVar variation 2693601 (VCV002693601.3), dbSNP rs776892650, ClinGen allele CA348716577.

ClinVar aggregate classification (germline): Uncertain significance (1 of 4 stars; one submission).

Conditions:
Intellectual developmental disorder, autosomal dominant 1. Also called: Intellectual disability, autosomal dominant 1; MBD5 Haploinsufficiency. Identifiers: Orphanet 228402, MedGen C1969562, MONDO:0007974, OMIM 156200.

Submission:

Labcorp Genetics (formerly Invitae), Labcorp
Classification: Uncertain significance for Intellectual developmental disorder, autosomal dominant 1. Last evaluated: 2023-11-06. Review status: criteria provided, single submitter. Criteria: Invitae Variant Classification Sherloc (09022015). Collection method: clinical testing. Allele origin: germline.
Comment: This sequence change replaces histidine, which is basic and polar, with tyrosine, which is neutral and polar, at codon 113 of the MBD5 protein (p.His113Tyr). This variant is not present in population databases (gnomAD no frequency). This variant has not been reported in the literature in individuals affected with MBD5-related conditions. Advanced modeling of protein sequence and biophysical properties (such as structural, functional, and spatial information, amino acid conservation, physicochemical variation, residue mobility, and thermodynamic stability) performed at Invitae indicates that this missense variant is not expected to disrupt MBD5 protein function with a negative predictive value of 80%. In summary, the available evidence is currently insufficient to determine the role of this variant in disease. Therefore, it has been classified as a Variant of Uncertain Significance.